The following is an entry in ClinVar:

ClinVar aggregate classification (germline): Uncertain significance (1 of 4 stars; one submission).

Submission:

GeneDx
Classification: Uncertain significance. Last evaluated: 2024-09-03. Review status: criteria provided, single submitter. Criteria: GeneDx Variant Classification Process June 2021. Collection method: clinical testing. Allele origin: germline. Affected: yes.
Comment: Has not been previously published as pathogenic or benign to our knowledge; Not observed at significant frequency in large population cohorts (gnomAD); In silico analysis indicates that this missense variant does not alter protein structure/function

NM_001032283.3(TMPO):c.254G>T (p.Gly85Val)

Genes: TMPO (thymopoietin; plus strand), TMPO-AS1 (TMPO antisense RNA 1; minus strand), LOC130008520 (ATAC-STARR-seq lymphoblastoid silent region 4752; plus strand). Cytogenetic location: 12q23.1.
Variant type: single nucleotide variant.
Coding change: c.254G>T on transcript NM_001032283.3 (MANE Select); coding-DNA position 254, G replaced by T.
Protein change: p.Gly85Val; replaces glycine 85 with valine.
Molecular consequence: missense variant. On other transcripts: non-coding transcript variant (1).
Genome position (GRCh38, 1-based): chr12:98,516,121, G>T. VCF-style: chr12-98516121-G-T. GRCh37 (hg19) VCF-style: chr12-98909899-G-T.
Other names: c.254G>T, p.Gly85Val (NM_001032284.3, NM_001307975.2, NM_003276.2); short protein forms G85V.
Identifiers: ClinVar variation 3766010 (VCV003766010.1).